The following is an entry in ClinVar:

NM_001384900.1(SEMA3D):c.152-5C>A

Gene: SEMA3D (semaphorin 3D; minus strand). Cytogenetic location: 7q21.11.
Variant type: single nucleotide variant.
Coding change: c.152-5C>A on transcript NM_001384900.1 (MANE Select); 5 bases into the intron before coding-DNA position 152, C replaced by A.
Molecular consequence: intron variant.
Genome position (GRCh38, 1-based): chr7:85,097,970, G>T on the plus strand (C>A on the coding strand, the complement: SEMA3D is on the minus strand). VCF-style: chr7-85097970-G-T. GRCh37 (hg19) VCF-style: chr7-84727286-G-T.
Other names: c.152-5C>A (NM_001384901.1, NM_001384903.1, NM_001384902.1 and 1 more transcripts).
Identifiers: ClinVar variation 4981811 (VCV004981811.1).

ClinVar aggregate classification (germline): Likely benign (1 of 4 stars; one submission).

Conditions:
SEMA3D-related disorder. Also called: SEMA3D-related condition.

gnomAD v4.1: 29 of 1,465,178 alleles (0.002%); highest among the groups gnomAD compares: East Asian, 0.065%; no homozygotes.

Submission:

PreventionGenetics, part of Exact Sciences
Classification: Likely benign for SEMA3D-related condition. Last evaluated: 2026-04-21. Review status: criteria provided, single submitter. Criteria: ACMG Guidelines, 2015. Collection method: clinical testing. Allele origin: germline.
Comment: This variant is classified as likely benign based on ACMG/AMP sequence variant interpretation guidelines (Richards et al. 2015 PMID: 25741868, with internal and published modifications).